The following is an entry in ClinVar:

NM_001130698.2(TRPC3):c.216-3T>C

Gene: TRPC3 (transient receptor potential cation channel subfamily C member 3; minus strand). Cytogenetic location: 4q27.
Variant type: single nucleotide variant.
Coding change: c.216-3T>C on transcript NM_001130698.2 (MANE Select); 3 bases into the intron before coding-DNA position 216, T replaced by C.
Molecular consequence: intron variant. On other transcripts: 5 prime UTR variant (1).
Genome position (GRCh38, 1-based): chr4:121,933,045, A>G on the plus strand (T>C on the coding strand, the complement: TRPC3 is on the minus strand). VCF-style: chr4-121933045-A-G. GRCh37 (hg19) VCF-style: chr4-122854200-A-G.
Other names: c.-7T>C (NM_003305.2); c.216-3T>C (NM_001366479.2).
Identifiers: ClinVar variation 2875624 (VCV002875624.3), dbSNP rs2476952606, ClinGen allele CA2578181434.

ClinVar aggregate classification (germline): Uncertain significance (1 of 4 stars; one submission).

Submission:

Labcorp Genetics (formerly Invitae), Labcorp
Classification: Uncertain significance. Last evaluated: 2026-01-05. Review status: criteria provided, single submitter. Criteria: Invitae Variant Classification Sherloc (09022015). Collection method: clinical testing. Allele origin: germline.
Comment: This sequence change falls in intron 1 of the TRPC3 gene. It does not directly change the encoded amino acid sequence of the TRPC3 protein. It affects a nucleotide within the consensus splice site. This variant is not present in population databases (gnomAD no frequency). This variant has not been reported in the literature in individuals affected with TRPC3-related conditions. ClinVar contains an entry for this variant (Variation ID: 2875624). Variants that disrupt the consensus splice site are a relatively common cause of aberrant splicing (PMID: 17576681, 9536098). Algorithms developed to predict the effect of sequence changes on RNA splicing suggest that this variant is not likely to affect RNA splicing. In summary, the available evidence is currently insufficient to determine the role of this variant in disease. Therefore, it has been classified as a Variant of Uncertain Significance.

Literature cited by the submitters: PubMed 17576681; PubMed 9536098.